The following is an entry in ClinVar:

ClinVar aggregate classification (germline): Uncertain significance (1 of 4 stars; one submission).

Conditions:
Ataxia-telangiectasia syndrome (AT). Also called: Cerebello-oculocutaneous telangiectasia; Immunodeficiency with ataxia telangiectasia; Ataxia-telangiectasia, complementation group E; LOUIS-BAR SYNDROME; Ataxia telangiectasia (A-T); AT, COMPLEMENTATION GROUP C. Identifiers: Orphanet 100, MedGen C0004135, MONDO:0008840, OMIM 208900.

Submission:

Labcorp Genetics (formerly Invitae), Labcorp
Classification: Uncertain significance for Ataxia-telangiectasia syndrome. Last evaluated: 2023-11-24. Review status: criteria provided, single submitter. Criteria: Invitae Variant Classification Sherloc (09022015). Collection method: clinical testing. Allele origin: germline.
Comment: This sequence change replaces glutamine, which is neutral and polar, with glutamic acid, which is acidic and polar, at codon 876 of the ATM protein (p.Gln876Glu). This variant is not present in population databases (gnomAD no frequency). This variant has not been reported in the literature in individuals affected with ATM-related conditions. An algorithm developed to predict the effect of missense changes on protein structure and function (PolyPhen-2) suggests that this variant is likely to be tolerated. In summary, the available evidence is currently insufficient to determine the role of this variant in disease. Therefore, it has been classified as a Variant of Uncertain Significance.

NM_000051.4(ATM):c.2626C>G (p.Gln876Glu)

Gene: ATM (ATM serine/threonine kinase; plus strand). Cytogenetic location: 11q22.3.
Variant type: single nucleotide variant.
Coding change: c.2626C>G on transcript NM_000051.4 (MANE Select); coding-DNA position 2626, C replaced by G.
Protein change: p.Gln876Glu; replaces glutamine 876 with glutamic acid.
Molecular consequence: missense variant.
Genome position (GRCh38, 1-based): chr11:108,267,330, C>G. VCF-style: chr11-108267330-C-G. GRCh37 (hg19) VCF-style: chr11-108138057-C-G.
Other names: c.2626C>G, p.Gln876Glu (NM_001351834.2); short protein forms Q876E.
Identifiers: ClinVar variation 2698356 (VCV002698356.3), dbSNP rs2135509419, ClinGen allele CA382544288.